The following is an entry in ClinVar:

NM_004130.4(GYG1):c.755T>C (p.Ile252Thr)

Gene: GYG1 (glycogenin 1; plus strand). Cytogenetic location: 3q24.
Variant type: single nucleotide variant.
Coding change: c.755T>C on transcript NM_004130.4 (MANE Select); coding-DNA position 755, T replaced by C.
Protein change: p.Ile252Thr; replaces isoleucine 252 with threonine.
Molecular consequence: missense variant. On other transcripts: intron variant (1).
Genome position (GRCh38, 1-based): chr3:149,024,199, T>C. VCF-style: chr3-149024199-T-C. GRCh37 (hg19) VCF-style: chr3-148741986-T-C.
Other names: c.755T>C, p.Ile252Thr (NM_001184720.2); c.609-2561T>C (NM_001184721.2); short protein forms I252T.
Identifiers: ClinVar variation 1512939 (VCV001512939.6), dbSNP rs552267180, ClinGen allele CA2658647.

ClinVar aggregate classification (germline): Uncertain significance (1 of 4 stars; one submission).

Conditions:
Glycogen storage disease XV (GSD15). Also called: GLYCOGENIN DEFICIENCY; GSD XV. Identifiers: Orphanet 263297, MedGen C3150754, MONDO:0013291, OMIM 613507.
Polyglucosan body myopathy type 2. Identifiers: Orphanet 456369, MedGen C4015452, MONDO:0014526, OMIM 616199.

Allele frequency attached by ClinVar (database versions not stated): gnomAD exomes below 0.00001 and 0.00002; gnomAD 0.00001; ExAC 0.00002; 1000 Genomes Project 30x 0.00016; 1000 Genomes Project 0.00020.
gnomAD v4.1: 8 of 1,613,448 alleles (0.0005%); highest among the groups gnomAD compares: South Asian, 0.0077%; no homozygotes.

Submission:

Labcorp Genetics (formerly Invitae), Labcorp
Classification: Uncertain significance for Polyglucosan body myopathy type 2; Glycogen storage disease XV. Last evaluated: 2021-10-05. Review status: criteria provided, single submitter. Criteria: Invitae Variant Classification Sherloc (09022015). Collection method: clinical testing. Allele origin: germline.
Comment: In summary, the available evidence is currently insufficient to determine the role of this variant in disease. Therefore, it has been classified as a Variant of Uncertain Significance. Algorithms developed to predict the effect of missense changes on protein structure and function output the following: SIFT: "Tolerated"; PolyPhen-2: "Benign"; Align-GVGD: "Class C0". The threonine amino acid residue is found in multiple mammalian species, which suggests that this missense change does not adversely affect protein function. This variant has not been reported in the literature in individuals affected with GYG1-related conditions. This variant is present in population databases (rs552267180, ExAC 0.01%). This sequence change replaces isoleucine with threonine at codon 252 of the GYG1 protein (p.Ile252Thr). The isoleucine residue is moderately conserved and there is a moderate physicochemical difference between isoleucine and threonine.